The following is an entry in ClinVar:

ClinVar aggregate classification (germline): Pathogenic/Likely pathogenic. Review status: criteria provided, multiple submitters, no conflicts (2 of 4 stars). 3 submissions from 3 submitters: Pathogenic (1); Likely pathogenic (2). Last evaluated 2026-09-28.

Conditions:
Developmental and epileptic encephalopathy, 13 (DEE13). Also called: Early infantile epileptic encephalopathy 13; SCN8A-Related Epilepsy; Developmental and Epileptic Encephalopathy (SCN8A-DEE). Identifiers: Orphanet 442835, MedGen C3281191, MONDO:0013801, OMIM 614558.
Early-infantile DEE. Also called: Ohtahara syndrome; Early infantile epileptic encephalopathy; Early infantile epileptic encephalopathy with suppression bursts. Identifiers: Orphanet 1934, MedGen C0393706, MONDO:0800491.

Submissions (3):

GeneDx
Classification: Likely pathogenic. Last evaluated: 2026-09-28. Review status: criteria provided, single submitter. Criteria: GeneDx Variant Classification Process June 2021. Collection method: clinical testing. Allele origin: germline.
Comment: Nonsense variant predicted to result in protein truncation, as the last 161 amino acids are lost, and other loss-of-function variants have been reported downstream in HGMD; Not observed at significant frequency in large population cohorts (gnomAD); This substitution is predicted to be within the C-terminal cytoplasmic domain; This variant is associated with the following publications: (PMID: 31887642, 30968951, 32090326, 35723786, 33004838, 27781031)

Institute of Human Genetics, University of Leipzig Medical Center
Classification: Pathogenic for Developmental and epileptic encephalopathy, 13. Last evaluated: 2026-06-02. Review status: criteria provided, single submitter. Criteria: ACMG Guidelines, 2015. Collection method: clinical testing. Allele origin: unknown. Inheritance: Autosomal dominant inheritance. Affected: yes.
Comment: Criteria applied: PVS1_STR,PS4,PS2_MOD,PM2_SUP

Labcorp Genetics (formerly Invitae), Labcorp
Classification: Likely pathogenic for Early-infantile DEE. Last evaluated: 2024-02-24. Review status: criteria provided, single submitter. Criteria: Invitae Variant Classification Sherloc (09022015). Collection method: clinical testing. Allele origin: germline.
Comment: This sequence change creates a premature translational stop signal (p.Arg1820*) in the SCN8A gene. While this is not anticipated to result in nonsense mediated decay, it is expected to disrupt the last 161 amino acid(s) of the SCN8A protein. This variant is not present in population databases (gnomAD no frequency). This premature translational stop signal has been observed in individual(s) with clinical features of SCN8A-related conditions (PMID: 27781031). In at least one individual the variant was observed to be de novo. ClinVar contains an entry for this variant (Variation ID: 943886). In summary, the currently available evidence indicates that the variant is pathogenic, but additional data are needed to prove that conclusively. Therefore, this variant has been classified as Likely Pathogenic.

Literature cited by the submitters: PubMed 27781031 (cited by Labcorp Genetics (formerly Invitae), Labcorp).

NM_001330260.2(SCN8A):c.5458C>T (p.Arg1820Ter)

Gene: SCN8A (sodium voltage-gated channel alpha subunit 8; plus strand). Cytogenetic location: 12q13.13.
Variant type: single nucleotide variant.
Coding change: c.5458C>T on transcript NM_001330260.2 (MANE Select); coding-DNA position 5458, C replaced by T.
Protein change: p.Arg1820Ter; replaces arginine 1820 with a stop codon.
Molecular consequence: nonsense.
Genome position (GRCh38, 1-based): chr12:51,806,944, C>T. VCF-style: chr12-51806944-C-T. GRCh37 (hg19) VCF-style: chr12-52200728-C-T.
Other names: c.5458C>T (NM_001330260.1); c.5335C>T, p.Arg1779Ter (NM_001177984.3, NM_001369788.1); c.5458C>T, p.Arg1820Ter (NM_014191.4); short protein forms R1779*, R1820*.
Identifiers: ClinVar variation 943886 (VCV000943886.14), dbSNP rs747526439, ClinGen allele CA384886370.